The following is an entry in ClinVar:

NM_015158.5(KANK1):c.2793C>G (p.Thr931=)

Gene: KANK1 (KN motif and ankyrin repeat domains 1; plus strand). Cytogenetic location: 9p24.3.
Variant type: single nucleotide variant.
Coding change: c.2793C>G on transcript NM_015158.5 (MANE Select); coding-DNA position 2793, C replaced by G.
Protein change: p.Thr931=; no amino-acid change (threonine 931 retained).
Molecular consequence: synonymous variant. On other transcripts: non-coding transcript variant (1).
Genome position (GRCh38, 1-based): chr9:730,145, C>G. VCF-style: chr9-730145-C-G. GRCh37 (hg19) VCF-style: chr9-730145-C-G.
Other names: c.2793C>G, p.Thr931= (NM_001256876.3, NM_001256877.3, NM_001354331.2 and 2 more transcripts); c.2319C>G, p.Thr773= (NM_001354333.2, NM_001354335.2, NM_001354336.2 and 9 more transcripts).
Identifiers: ClinVar variation 3771816 (VCV003771816.13).

ClinVar aggregate classification (germline): Likely benign (1 of 4 stars; one submission).

Submission:

CeGaT Center for Human Genetics Tuebingen
Classification: Likely benign. Last evaluated: 2025-02-01. Review status: criteria provided, single submitter. Criteria: CeGaT Center For Human Genetics Tuebingen Variant Classification Criteria Version 2. Collection method: clinical testing. Allele origin: germline. Affected: yes. Observed: 1 variant allele.
Comment: KANK1: PM2:Supporting, BP4, BP7